The following is an entry in ClinVar:

ClinVar aggregate classification (germline): Likely benign (1 of 4 stars; one submission).

Allele frequency attached by ClinVar (database versions not stated): gnomAD exomes 0.00023; 1000 Genomes Project 0.00040; gnomAD 0.00046 and 0.00047; TOPMed 0.00048; 1000 Genomes Project 30x 0.00078; ExAC 0.00083.
gnomAD v4.1: 101 of 411,828 alleles (0.025%); highest among the groups gnomAD compares: African/African-American, 0.14%; 1 homozygote.

Submission:

GeneDx
Classification: Likely benign. Last evaluated: 2016-02-23. Review status: criteria provided, single submitter. Criteria: GeneDx Variant Classification (06012015). Collection method: clinical testing. Allele origin: germline. Affected: yes.
Comment: This variant is considered likely benign or benign based on one or more of the following criteria: it is a conservative change, it occurs at a poorly conserved position in the protein, it is predicted to be benign by multiple in silico algorithms, and/or has population frequency not consistent with disease.

NM_001614.5(ACTG1):c.-26G>A

Gene: ACTG1 (actin gamma 1; minus strand). Cytogenetic location: 17q25.3.
Variant type: single nucleotide variant.
Coding change: c.-26G>A on transcript NM_001614.5 (MANE Select); 26 bases upstream of the start codon, G replaced by A.
Molecular consequence: 5 prime UTR variant. On other transcripts: non-coding transcript variant (1).
Genome position (GRCh38, 1-based): chr17:81,512,753, C>T on the plus strand (G>A on the coding strand, the complement: ACTG1 is on the minus strand). VCF-style: chr17-81512753-C-T. GRCh37 (hg19) VCF-style: chr17-79479779-C-T.
Other names: c.-145G>A (NM_001199954.3).
Identifiers: ClinVar variation 384127 (VCV000384127.1), dbSNP rs527479909, ClinGen allele CA8836496.